The following is an entry in ClinVar:

NM_032656.4(DHX37):c.2246C>T (p.Pro749Leu)

Gene: DHX37 (DEAH-box helicase 37; minus strand). Cytogenetic location: 12q24.31.
Variant type: single nucleotide variant.
Coding change: c.2246C>T on transcript NM_032656.4 (MANE Select); coding-DNA position 2246, C replaced by T.
Protein change: p.Pro749Leu; replaces proline 749 with leucine.
Molecular consequence: missense variant.
Genome position (GRCh38, 1-based): chr12:124,957,047, G>A on the plus strand (C>T on the coding strand, the complement: DHX37 is on the minus strand). VCF-style: chr12-124957047-G-A. GRCh37 (hg19) VCF-style: chr12-125441593-G-A.
Other names: short protein forms P749L.
Identifiers: ClinVar variation 2419634 (VCV002419634.6), dbSNP rs375342368, ClinGen allele CA6871710.

ClinVar aggregate classification (germline): Uncertain significance (1 of 4 stars; one submission).

Allele frequency attached by ClinVar (database versions not stated): TOPMed below 0.00001; gnomAD 0.00001; gnomAD exomes 0.00001; ExAC 0.00002; ESP Exome Variant Server 0.00008.
gnomAD v4.1: 18 of 1,514,114 alleles (0.0012%); highest among the groups gnomAD compares: African/African-American, 0.0029%; no homozygotes.

Submission:

Labcorp Genetics (formerly Invitae), Labcorp
Classification: Uncertain significance. Last evaluated: 2026-01-05. Review status: criteria provided, single submitter. Criteria: Invitae Variant Classification Sherloc (09022015). Collection method: clinical testing. Allele origin: germline.
Comment: This sequence change replaces proline, which is neutral and non-polar, with leucine, which is neutral and non-polar, at codon 749 of the DHX37 protein (p.Pro749Leu). The frequency data for this variant in the population databases is considered unreliable, as metrics indicate poor data quality at this position in the gnomAD database. This variant has not been reported in the literature in individuals affected with DHX37-related conditions. ClinVar contains an entry for this variant (Variation ID: 2419634). Invitae Evidence Modeling of protein sequence and biophysical properties (such as structural, functional, and spatial information, amino acid conservation, physicochemical variation, residue mobility, and thermodynamic stability) indicates that this missense variant is not expected to disrupt DHX37 protein function with a negative predictive value of 80%. In summary, the available evidence is currently insufficient to determine the role of this variant in disease. Therefore, it has been classified as a Variant of Uncertain Significance.